The following is an entry in ClinVar:

ClinVar aggregate classification (germline): Uncertain significance. Review status: criteria provided, multiple submitters, no conflicts (2 of 4 stars). 2 submissions from 2 submitters: Uncertain significance (2). Last evaluated 2025-05-25.

Conditions:
Hereditary cancer-predisposing syndrome. Also called: Neoplastic Syndromes, Hereditary; Tumor predisposition; Hereditary neoplastic syndrome; Hereditary Cancer Syndrome. Identifiers: Orphanet 140162, MedGen C0027672, MeSH D009386, MONDO:0015356.
Renal cell carcinoma. Identifiers: Orphanet 217071, MedGen C0007134, MeSH D002292, MONDO:0005086, HP:0005584.

Allele frequency attached by ClinVar (database versions not stated): gnomAD exomes below 0.00001 and 0.00001; ExAC 0.00001.
gnomAD v4.1: 6 of 1,614,144 alleles (0.00037%); highest among the groups gnomAD compares: South Asian, 0.0066%; no homozygotes.

Submissions (2):

Ambry Genetics
Classification: Uncertain significance for Hereditary cancer-predisposing syndrome. Last evaluated: 2025-05-25. Review status: criteria provided, single submitter. Criteria: Ambry Variant Classification Scheme 2023. Collection method: clinical testing. Allele origin: germline.
Comment: The p.F569S variant (also known as c.1706T>C), located in coding exon 5 of the MET gene, results from a T to C substitution at nucleotide position 1706. The phenylalanine at codon 569 is replaced by serine, an amino acid with highly dissimilar properties. This amino acid position is conserved. In addition, this alteration is predicted to be tolerated by in silico analysis. Since supporting evidence is limited at this time, the clinical significance of this alteration remains unclear.

Labcorp Genetics (formerly Invitae), Labcorp
Classification: Uncertain significance for Renal cell carcinoma. Last evaluated: 2025-05-13. Review status: criteria provided, single submitter. Criteria: Invitae Variant Classification Sherloc (09022015). Collection method: clinical testing. Allele origin: germline.
Comment: This sequence change replaces phenylalanine, which is neutral and non-polar, with serine, which is neutral and polar, at codon 569 of the MET protein (p.Phe569Ser). This variant is present in population databases (rs778626291, gnomAD 0.006%). This variant has not been reported in the literature in individuals affected with MET-related conditions. ClinVar contains an entry for this variant (Variation ID: 1372452). Invitae Evidence Modeling of protein sequence and biophysical properties (such as structural, functional, and spatial information, amino acid conservation, physicochemical variation, residue mobility, and thermodynamic stability) indicates that this missense variant is not expected to disrupt MET protein function with a negative predictive value of 80%. In summary, the available evidence is currently insufficient to determine the role of this variant in disease. Therefore, it has been classified as a Variant of Uncertain Significance.

NM_000245.4(MET):c.1706T>C (p.Phe569Ser)

Gene: MET (MET proto-oncogene, receptor tyrosine kinase; plus strand). Cytogenetic location: 7q31.2.
Variant type: single nucleotide variant.
Coding change: c.1706T>C on transcript NM_000245.4 (MANE Select); coding-DNA position 1706, T replaced by C.
Protein change: p.Phe569Ser; replaces phenylalanine 569 with serine.
Molecular consequence: missense variant.
Genome position (GRCh38, 1-based): chr7:116,755,359, T>C. VCF-style: chr7-116755359-T-C. GRCh37 (hg19) VCF-style: chr7-116395413-T-C.
Other names: c.1706T>C, p.Phe569Ser (NM_001127500.3, NM_001324401.3); c.416T>C, p.Phe139Ser (NM_001324402.2); short protein forms F139S, F569S.
Identifiers: ClinVar variation 1372452 (VCV001372452.9), dbSNP rs778626291, ClinGen allele CA4448274.